The following is an entry in ClinVar:

NM_001324445.2(ADAT1):c.162G>A (p.Pro54=)

Gene: ADAT1 (adenosine deaminase tRNA specific 1; minus strand). Cytogenetic location: 16q23.1.
Variant type: single nucleotide variant.
Coding change: c.162G>A on transcript NM_001324445.2 (MANE Select); coding-DNA position 162, G replaced by A.
Protein change: p.Pro54=; no amino-acid change (proline 54 retained).
Molecular consequence: synonymous variant. On other transcripts: 5 prime UTR variant (6).
Genome position (GRCh38, 1-based): chr16:75,620,638, C>T on the plus strand (G>A on the coding strand, the complement: ADAT1 is on the minus strand). VCF-style: chr16-75620638-C-T. GRCh37 (hg19) VCF-style: chr16-75654536-C-T.
Other names: c.-344G>A (NM_001324444.2, NM_001324450.2, NM_001324451.2); c.-398G>A (NM_001324446.2); c.162G>A, p.Pro54= (NM_001324448.2, NM_001324449.2, NM_012091.5); c.-45G>A (NM_001324452.2, NM_001324453.2).
Identifiers: ClinVar variation 2646879 (VCV002646879.24), dbSNP rs117176260, ClinGen allele CA8177042.

ClinVar aggregate classification (germline): Likely benign (1 of 4 stars; one submission).

Allele frequency attached by ClinVar (database versions not stated): 1000 Genomes Project 30x 0.00172; 1000 Genomes Project 0.00180; TOPMed 0.00339; gnomAD 0.00352; ESP Exome Variant Server 0.00369.
gnomAD v4.1: 7,980 of 1,612,872 alleles (0.49%); highest among the groups gnomAD compares: Non-Finnish European, 0.61%; 18 homozygotes.

Submission:

CeGaT Center for Human Genetics Tuebingen
Classification: Likely benign. Last evaluated: 2022-07-01. Review status: criteria provided, single submitter. Criteria: CeGaT Center For Human Genetics Tuebingen Variant Classification Criteria Version 2. Collection method: clinical testing. Allele origin: germline. Affected: yes. Observed: 1 variant allele.
Comment: ADAT1: BP4, BP7